The following is an entry in ClinVar:

ClinVar aggregate classification (germline): Conflicting classifications of pathogenicity. Review status: criteria provided, conflicting classifications (1 of 4 stars). 4 submissions from 4 submitters: Uncertain significance (2); Likely benign (1). 1 of the submissions does not count toward it. Last evaluated 2025-01-26.

Conditions:
HNF1A-related disorder. Also called: HNF1A-related condition.
Maturity-onset diabetes of the young type 3. Also called: MODY, type III; MODY type 3. Identifiers: Orphanet 552, MedGen C1838100, MeSH C563933, MONDO:0010894, OMIM 600496. Disease mechanism: loss of function.
Type 2 diabetes mellitus. Also called: Type II diabetes mellitus. Identifiers: MedGen C0011860, MeSH D003924, MONDO:0005148, OMIM 125853, HP:0005978.
Diabetes mellitus type 1 (T1D). Also called: Diabetes Mellitus, Juvenile-Onset; Type I diabetes mellitus. Identifiers: MedGen C0011854, MONDO:0005147, OMIM 222100, HP:0100651.
Hepatic adenomas, familial. Also called: HEPATIC ADENOMA, SOMATIC; LIVER CELL ADENOMAS, FAMILIAL. Identifiers: MedGen C1840646, MONDO:0007718, OMIM 142330.
Nonpapillary renal cell carcinoma. Identifiers: Orphanet 422526, MedGen CN074294, MONDO:0007763, OMIM 144700.
Type 1 diabetes mellitus 20 (T1D20). Also called: Diabetes mellitus, insulin-dependent, 20. Identifiers: MedGen C2675866, MONDO:0012919, OMIM 612520.

Allele frequency attached by ClinVar (database versions not stated): gnomAD exomes 0.00005; ExAC 0.00006; ESP Exome Variant Server 0.00008; gnomAD 0.00017; TOPMed 0.00026.
gnomAD v4.1: 65 of 1,610,644 alleles (0.004%); highest among the groups gnomAD compares: African/African-American, 0.049%; no homozygotes.

Submissions (4):

Labcorp Genetics (formerly Invitae), Labcorp
Classification: Likely benign. Last evaluated: 2025-01-26. Review status: criteria provided, single submitter. Criteria: Invitae Variant Classification Sherloc (09022015). Collection method: clinical testing. Allele origin: germline.

Fulgent Genetics
Classification: Uncertain significance for Type 2 diabetes mellitus; Hepatic adenomas, familial; Nonpapillary renal cell carcinoma; Diabetes mellitus type 1; Maturity-onset diabetes of the young type 3; Type 1 diabetes mellitus 20. Last evaluated: 2022-05-07. Review status: criteria provided, single submitter. Criteria: ACMG Guidelines, 2015. Collection method: clinical testing. Allele origin: unknown.

GeneDx
Classification: Uncertain significance. Last evaluated: 2019-09-25. Review status: criteria provided, single submitter. Criteria: GeneDx Variant Classification Process June 2021. Collection method: clinical testing. Allele origin: germline. Affected: yes.
Comment: In silico analysis, which includes protein predictors and evolutionary conservation, supports that this variant does not alter protein structure/function; Has not been previously published as pathogenic or benign to our knowledge

PreventionGenetics, part of Exact Sciences
Classification: Uncertain significance for HNF1A-related condition. Last evaluated: 2024-06-28. Review status: no assertion criteria provided. Collection method: clinical testing. Allele origin: germline. Not counted in ClinVar's aggregate classification.
Comment: The HNF1A c.1756G>A variant is predicted to result in the amino acid substitution p.Ala586Thr. To our knowledge, this variant has not been reported in the literature. This variant is reported in 0.063% of alleles in individuals of African descent in gnomAD. Although we suspect that this variant may be benign, at this time, the clinical significance of this variant is uncertain due to the absence of conclusive functional and genetic evidence.

NM_000545.8(HNF1A):c.1756G>A (p.Ala586Thr)

Gene: HNF1A (HNF1 homeobox A; plus strand). Cytogenetic location: 12q24.31.
Variant type: single nucleotide variant.
Coding change: c.1756G>A on transcript NM_000545.8 (MANE Select); coding-DNA position 1756, G replaced by A.
Protein change: p.Ala586Thr; replaces alanine 586 with threonine.
Molecular consequence: missense variant.
Genome position (GRCh38, 1-based): chr12:120,999,615, G>A. VCF-style: chr12-120999615-G-A. GRCh37 (hg19) VCF-style: chr12-121437418-G-A.
Other names: c.1756G>A (NM_000545.6); c.1777G>A, p.Ala593Thr (NM_001306179.2); short protein forms A586T, A593T.
Identifiers: ClinVar variation 1318621 (VCV001318621.9), dbSNP rs373857078, ClinGen allele CA6832166.